The following is an entry in ClinVar:

NM_000093.5(COL5A1):c.4015-212C>T

Gene: COL5A1 (collagen type V alpha 1 chain; plus strand). Cytogenetic location: 9q34.3.
Variant type: single nucleotide variant.
Coding change: c.4015-212C>T on transcript NM_000093.5 (MANE Select); 212 bases into the intron before coding-DNA position 4015, C replaced by T.
Molecular consequence: intron variant.
Genome position (GRCh38, 1-based): chr9:134,815,364, C>T. VCF-style: chr9-134815364-C-T. GRCh37 (hg19) VCF-style: chr9-137707210-C-T.
Other names: c.4015-212C>T (NM_001278074.1).
Identifiers: ClinVar variation 675524 (VCV000675524.2), dbSNP rs144404774, ClinGen allele CA201090995.
Genomic context (GRCh38, chr9:134,815,364, plus strand): 5'-GTGGGCGGAACGCCTGCCCCTTGCTTGGCTCTGGAAAGCAAGAGACCAGCTGACCCCTGC[C>T]ATGCCCACTGGCCAGGCTTGCTGGCTCTGGGACATGCTGCACGTGGAAGGGTCTCTGGGC-3'

ClinVar aggregate classification (germline): Likely benign. Review status: criteria provided, multiple submitters, no conflicts (2 of 4 stars). 2 submissions from 2 submitters: Likely benign (2). Last evaluated 2018-06-19.

Allele frequency attached by ClinVar (database versions not stated): 1000 Genomes Project 0.00399; 1000 Genomes Project 30x 0.00406; TOPMed 0.00686; gnomAD 0.00860 and 0.00881.
gnomAD v4.1: 1,300 of 152,350 alleles (0.85%); highest among the groups gnomAD compares: Middle Eastern, 1.7%; 13 homozygotes.

Submissions (2):

GeneDx
Classification: Likely benign. Last evaluated: 2018-06-19. Review status: criteria provided, single submitter. Criteria: GeneDx Variant Classification (06012015). Collection method: clinical testing. Allele origin: germline. Affected: yes.
Comment: This variant is considered likely benign or benign based on one or more of the following criteria: it is a conservative change, it occurs at a poorly conserved position in the protein, it is predicted to be benign by multiple in silico algorithms, and/or has population frequency not consistent with disease.

Breakthrough Genomics
Classification: Likely benign. Review status: criteria provided, single submitter. Criteria: ACMG Guidelines, 2015. Collection method: not provided. Allele origin: germline. Inheritance: Autosomal dominant inheritance. Affected: yes.